The following is an entry in ClinVar:

NM_152743.4(BRAT1):c.2428G>A (p.Gly810Arg)

Gene: BRAT1 (BRCA1 associated ATM activator 1; minus strand). Cytogenetic location: 7p22.3.
Variant type: single nucleotide variant.
Coding change: c.2428G>A on transcript NM_152743.4 (MANE Select); coding-DNA position 2428, G replaced by A.
Protein change: p.Gly810Arg; replaces glycine 810 with arginine.
Molecular consequence: missense variant. On other transcripts: non-coding transcript variant (1).
Genome position (GRCh38, 1-based): chr7:2,538,107, C>T on the plus strand (G>A on the coding strand, the complement: BRAT1 is on the minus strand). VCF-style: chr7-2538107-C-T. GRCh37 (hg19) VCF-style: chr7-2577741-C-T.
Other names: c.2608G>A, p.Gly870Arg (NM_001350626.2); c.1903G>A, p.Gly635Arg (NM_001350627.2); short protein forms G635R, G810R, G870R.
Identifiers: ClinVar variation 1052354 (VCV001052354.9), dbSNP rs781107087, ClinGen allele CA4127362.

ClinVar aggregate classification (germline): Uncertain significance (1 of 4 stars; one submission).

Conditions:
Neonatal-onset encephalopathy with rigidity and seizures. Also called: Lethal neonatal spasticity-epileptic encephalopathy syndrome. Identifiers: Orphanet 435845, MedGen C3281029, MONDO:0013784, OMIM 614498.

Allele frequency attached by ClinVar (database versions not stated): gnomAD exomes below 0.00001 and 0.00001; ExAC 0.00001.
gnomAD v4.1: 2 of 1,591,050 alleles (0.00013%); highest among the groups gnomAD compares: South Asian, 0.0022%; no homozygotes.

Submission:

Labcorp Genetics (formerly Invitae), Labcorp
Classification: Uncertain significance for Neonatal-onset encephalopathy with rigidity and seizures. Last evaluated: 2021-02-26. Review status: criteria provided, single submitter. Criteria: Invitae Variant Classification Sherloc (09022015). Collection method: clinical testing. Allele origin: germline.
Comment: This sequence change replaces glycine with arginine at codon 810 of the BRAT1 protein (p.Gly810Arg). The glycine residue is moderately conserved and there is a moderate physicochemical difference between glycine and arginine. Algorithms developed to predict the effect of missense changes on protein structure and function (SIFT, PolyPhen-2, Align-GVGD) all suggest that this variant is likely to be tolerated, but these predictions have not been confirmed by published functional studies and their clinical significance is uncertain. This variant has not been reported in the literature in individuals with BRAT1-related conditions. This variant is present in population databases (rs781107087, ExAC 0.008%). In summary, the available evidence is currently insufficient to determine the role of this variant in disease. Therefore, it has been classified as a Variant of Uncertain Significance.